The following is an entry in ClinVar:

NM_174916.3(UBR1):c.3436A>C (p.Met1146Leu)

Gene: UBR1 (ubiquitin protein ligase E3 component n-recognin 1; minus strand). Cytogenetic location: 15q15.2.
Variant type: single nucleotide variant.
Coding change: c.3436A>C on transcript NM_174916.3 (MANE Select); coding-DNA position 3436, A replaced by C.
Protein change: p.Met1146Leu; replaces methionine 1146 with leucine.
Molecular consequence: missense variant.
Genome position (GRCh38, 1-based): chr15:43,003,910, T>G on the plus strand (A>C on the coding strand, the complement: UBR1 is on the minus strand). VCF-style: chr15-43003910-T-G. GRCh37 (hg19) VCF-style: chr15-43296108-T-G.
Other names: short protein forms M1146L.
Identifiers: ClinVar variation 1505392 (VCV001505392.6), dbSNP rs754753489, ClinGen allele CA392057445.

ClinVar aggregate classification (germline): Uncertain significance (1 of 4 stars; one submission).

Submission:

Labcorp Genetics (formerly Invitae), Labcorp
Classification: Uncertain significance. Last evaluated: 2021-12-02. Review status: criteria provided, single submitter. Criteria: Invitae Variant Classification Sherloc (09022015). Collection method: clinical testing. Allele origin: germline.
Comment: Algorithms developed to predict the effect of missense changes on protein structure and function (SIFT, PolyPhen-2, Align-GVGD) all suggest that this variant is likely to be tolerated. In summary, the available evidence is currently insufficient to determine the role of this variant in disease. Therefore, it has been classified as a Variant of Uncertain Significance. This variant has not been reported in the literature in individuals affected with UBR1-related conditions. This variant is not present in population databases (gnomAD no frequency). This sequence change replaces methionine, which is neutral and non-polar, with leucine, which is neutral and non-polar, at codon 1146 of the UBR1 protein (p.Met1146Leu).